The following is an entry in ClinVar:

NM_000038.6(APC):c.519T>C (p.Pro173=)

Gene: APC (APC regulator of Wnt signaling pathway; plus strand). Cytogenetic location: 5q22.2.
Variant type: single nucleotide variant.
Coding change: c.519T>C on transcript NM_000038.6 (MANE Select); coding-DNA position 519, T replaced by C.
Protein change: p.Pro173=; no amino-acid change (proline 173 retained).
Molecular consequence: synonymous variant. On other transcripts: 5 prime UTR variant (4), non-coding transcript variant (2).
Genome position (GRCh38, 1-based): chr5:112,775,725, T>C. VCF-style: chr5-112775725-T-C. GRCh37 (hg19) VCF-style: chr5-112111422-T-C.
Other names: c.519T>C, p.Pro173= (NM_001127510.3, NM_001354895.2, NM_001354896.2 and 16 more transcripts); c.549T>C, p.Pro183= (NM_001127511.3, NM_001354897.2, NM_001354902.2 and 1 more transcripts); c.444T>C, p.Pro148= (NM_001354898.2, NM_001354904.2, NM_001407451.1); c.342T>C, p.Pro114= (NM_001354900.2, NM_001354901.2, NM_001354905.2 and 1 more transcripts); c.-517T>C (NM_001354906.2, NM_001407470.1, NM_001407471.1 and 1 more transcripts).
Identifiers: ClinVar variation 2117738 (VCV002117738.7), dbSNP rs1323000561, ClinGen allele CA445753076.

ClinVar aggregate classification (germline): Benign/Likely benign. Review status: criteria provided, multiple submitters, no conflicts (2 of 4 stars). 4 submissions from 4 submitters: Benign (1); Likely benign (3). Last evaluated 2024-02-23.

Conditions:
Hereditary cancer-predisposing syndrome. Also called: Neoplastic Syndromes, Hereditary; Hereditary neoplastic syndrome; Tumor predisposition; Hereditary Cancer Syndrome. Identifiers: Orphanet 140162, MedGen C0027672, MeSH D009386, MONDO:0015356.
Familial adenomatous polyposis 1 (FAP1). Also called: FAMILIAL ADENOMATOUS POLYPOSIS 1, ATTENUATED; POLYPOSIS, ADENOMATOUS INTESTINAL. Identifiers: MedGen C2713442, MONDO:0021056, OMIM 175100. Disease mechanism: loss of function.

Allele frequency attached by ClinVar (database versions not stated): TOPMed below 0.00001.

Submissions (4):

Myriad Genetics, Inc.
Classification: Benign for Familial adenomatous polyposis 1. Last evaluated: 2024-02-23. Review status: criteria provided, single submitter. Criteria: Myriad Autosomal Dominant, Autosomal Recessive and X-Linked Classification Criteria (2023). Collection method: clinical testing. Allele origin: unknown.
Comment: This variant is considered benign. This variant is a silent/synonymous amino acid change and it is not expected to impact splicing.

Ambry Genetics
Classification: Likely benign for Hereditary cancer-predisposing syndrome. Last evaluated: 2023-02-12. Review status: criteria provided, single submitter. Criteria: Ambry Variant Classification Scheme 2023. Collection method: clinical testing. Allele origin: germline.

Blueprint Genetics
Classification: Likely benign. Last evaluated: 2022-08-02. Review status: criteria provided, single submitter. Criteria: ACMG Guidelines, 2015. Collection method: clinical testing. Allele origin: germline.

Labcorp Genetics (formerly Invitae), Labcorp
Classification: Likely benign for Familial adenomatous polyposis 1. Last evaluated: 2022-03-26. Review status: criteria provided, single submitter. Criteria: Invitae Variant Classification Sherloc (09022015). Collection method: clinical testing. Allele origin: germline.